The following is an entry in ClinVar:

ClinVar aggregate classification (germline): Likely pathogenic (1 of 4 stars; one submission).

Conditions:
Niemann-Pick disease, type C1. Also called: NEUROVISCERAL STORAGE DISEASE WITH VERTICAL SUPRANUCLEAR OPHTHALMOPLEGIA; NIEMANN-PICK DISEASE WITH CHOLESTEROL ESTERIFICATION BLOCK; NIEMANN-PICK DISEASE WITHOUT SPHINGOMYELINASE DEFICIENCY; NIEMANN-PICK DISEASE, CHRONIC NEURONOPATHIC FORM; NIEMANN-PICK DISEASE, VARIANT TYPE C1. Identifiers: Orphanet 646, MedGen C3179455, MONDO:0009757, OMIM 257220.

Submission:

Labcorp Genetics (formerly Invitae), Labcorp
Classification: Likely pathogenic for Niemann-Pick disease, type C1. Last evaluated: 2022-02-03. Review status: criteria provided, single submitter. Criteria: Invitae Variant Classification Sherloc (09022015). Collection method: clinical testing. Allele origin: germline.
Comment: In summary, the currently available evidence indicates that the variant is pathogenic, but additional data are needed to prove that conclusively. Therefore, this variant has been classified as Likely Pathogenic. Algorithms developed to predict the effect of sequence changes on RNA splicing suggest that this variant may disrupt the consensus splice site. ClinVar contains an entry for this variant (Variation ID: 838929). This variant has not been reported in the literature in individuals affected with NPC1-related conditions. This variant is not present in population databases (gnomAD no frequency). This sequence change affects a donor splice site in intron 2 of the NPC1 gene. It is expected to disrupt RNA splicing. Variants that disrupt the donor or acceptor splice site typically lead to a loss of protein function (PMID: 16199547), and loss-of-function variants in NPC1 are known to be pathogenic (PMID: 9211850).

Literature cited by the submitters: PubMed 16199547; PubMed 9211850.

NM_000271.5(NPC1):c.180+1G>C

Gene: NPC1 (NPC intracellular cholesterol transporter 1; minus strand). Cytogenetic location: 18q11.2.
Variant type: single nucleotide variant.
Coding change: c.180+1G>C on transcript NM_000271.5 (MANE Select); the canonical splice donor site of the intron after coding-DNA position 180, G replaced by C.
Molecular consequence: splice donor variant.
Genome position (GRCh38, 1-based): chr18:23,573,451, C>G on the plus strand (G>C on the coding strand, the complement: NPC1 is on the minus strand). VCF-style: chr18-23573451-C-G. GRCh37 (hg19) VCF-style: chr18-21153415-C-G.
Identifiers: ClinVar variation 838929 (VCV000838929.8), dbSNP rs2059231880, ClinGen allele CA401787298.